The following is an entry in ClinVar:

ClinVar aggregate classification (germline): Uncertain significance (1 of 4 stars; one submission).

Submission:

Labcorp Genetics (formerly Invitae), Labcorp
Classification: Uncertain significance. Last evaluated: 2025-05-07. Review status: criteria provided, single submitter. Criteria: Invitae Variant Classification Sherloc (09022015). Collection method: clinical testing. Allele origin: germline.
Comment: This sequence change replaces valine, which is neutral and non-polar, with leucine, which is neutral and non-polar, at codon 3487 of the ZNF469 protein (p.Val3487Leu). This variant is not present in population databases (gnomAD no frequency). This variant has not been reported in the literature in individuals affected with ZNF469-related conditions. An algorithm developed to predict the effect of missense changes on protein structure and function (PolyPhen-2) suggests that this variant is likely to be tolerated. In summary, the available evidence is currently insufficient to determine the role of this variant in disease. Therefore, it has been classified as a Variant of Uncertain Significance.

NM_001367624.2(ZNF469):c.10543G>T (p.Val3515Leu)

Gene: ZNF469 (zinc finger protein 469; plus strand). Cytogenetic location: 16q24.2.
Variant type: single nucleotide variant.
Coding change: c.10543G>T on transcript NM_001367624.2 (MANE Select); coding-DNA position 10543, G replaced by T.
Protein change: p.Val3515Leu; replaces valine 3515 with leucine.
Molecular consequence: missense variant.
Genome position (GRCh38, 1-based): chr16:88,438,013, G>T. VCF-style: chr16-88438013-G-T. GRCh37 (hg19) VCF-style: chr16-88504421-G-T.
Other names: short protein forms V3515L.
Identifiers: ClinVar variation 4799283 (VCV004799283.1).